The following is an entry in ClinVar:

ClinVar aggregate classification (germline): Uncertain significance (1 of 4 stars; one submission).

gnomAD v4.1: 2 of 1,612,638 alleles (0.00012%); highest among the groups gnomAD compares: Non-Finnish European, 0.00017%; no homozygotes.

Submission:

Ambry Genetics
Classification: Uncertain significance. Last evaluated: 2025-08-15. Review status: criteria provided, single submitter. Criteria: Ambry Variant Classification Scheme 2023. Collection method: clinical testing. Allele origin: germline.
Comment: The p.A1570P variant (also known as c.4708G>C), located in coding exon 19 of the WNK2 gene, results from a G to C substitution at nucleotide position 4708. The alanine at codon 1570 is replaced by proline, an amino acid with highly similar properties. This amino acid position is conserved. In addition, this alteration is predicted to be tolerated by in silico analysis. Based on the available evidence, the clinical significance of this variant remains unclear.

NM_006648.4(WNK2):c.4708G>C (p.Ala1570Pro)

Gene: WNK2 (WNK lysine deficient protein kinase 2; plus strand). Cytogenetic location: 9q22.31.
Variant type: single nucleotide variant.
Coding change: c.4708G>C on transcript NM_006648.4 (MANE Select); coding-DNA position 4708, G replaced by C.
Protein change: p.Ala1570Pro; replaces alanine 1570 with proline.
Molecular consequence: missense variant.
Genome position (GRCh38, 1-based): chr9:93,289,462, G>C. VCF-style: chr9-93289462-G-C. GRCh37 (hg19) VCF-style: chr9-96051744-G-C.
Other names: c.4819G>C, p.Ala1607Pro (NM_001282394.3); short protein forms A1570P, A1607P.
Identifiers: ClinVar variation 4201758 (VCV004201758.1).
Genomic context (GRCh38, chr9:93,289,462, plus strand): 5'-AAGAGCCTGGACGAGAAGCTGCGGACTCTGCTCTACCAGGAGCACGTGCCCACCTCCTCA[G>C]CCTCAGCTGGGACCCCTGTGGAGGTGGGCGACAGAGACTTCACCCTGGAGCCCCTGAGAG-3'
Protein context (NP_006639.3, residues 1560-1580): LYQEHVPTSS[Ala1570Pro]SAGTPVEVGD